The following is an entry in ClinVar:

ClinVar aggregate classification (germline): Uncertain significance (1 of 4 stars; one submission).

Conditions:
GM1 gangliosidosis. Identifiers: Orphanet 354, MedGen C0085131, MONDO:0018149.
Mucopolysaccharidosis, MPS-IV-B (MPS4B). Also called: Mucopolysaccharidosis type IV B; Mucopolysaccharidosis type 4B; MORQUIO SYNDROME B; Mucopolysaccharidosis type IVB (Morquio); MPS IVB; Mucopolysaccharidosis Type IVB. Identifiers: Orphanet 309310, Orphanet 582, MedGen C0086652, MONDO:0009660, OMIM 253010.

Submission:

Labcorp Genetics (formerly Invitae), Labcorp
Classification: Uncertain significance for Mucopolysaccharidosis, MPS-IV-B; GM1 gangliosidosis. Last evaluated: 2024-11-04. Review status: criteria provided, single submitter. Criteria: Invitae Variant Classification Sherloc (09022015). Collection method: clinical testing. Allele origin: germline.
Comment: This sequence change replaces histidine, which is basic and polar, with aspartic acid, which is acidic and polar, at codon 224 of the GLB1 protein (p.His224Asp). This variant is not present in population databases (gnomAD no frequency). This variant has not been reported in the literature in individuals affected with GLB1-related conditions. ClinVar contains an entry for this variant (Variation ID: 1981116). Invitae Evidence Modeling of protein sequence and biophysical properties (such as structural, functional, and spatial information, amino acid conservation, physicochemical variation, residue mobility, and thermodynamic stability) indicates that this missense variant is not expected to disrupt GLB1 protein function with a negative predictive value of 95%. In summary, the available evidence is currently insufficient to determine the role of this variant in disease. Therefore, it has been classified as a Variant of Uncertain Significance.

NM_000404.4(GLB1):c.670C>G (p.His224Asp)

Gene: GLB1 (galactosidase beta 1; minus strand). Cytogenetic location: 3p22.3.
Variant type: single nucleotide variant.
Coding change: c.670C>G on transcript NM_000404.4 (MANE Select); coding-DNA position 670, C replaced by G.
Protein change: p.His224Asp; replaces histidine 224 with aspartic acid.
Molecular consequence: missense variant. On other transcripts: intron variant (1).
Genome position (GRCh38, 1-based): chr3:33,058,152, G>C on the plus strand (C>G on the coding strand, the complement: GLB1 is on the minus strand). VCF-style: chr3-33058152-G-C. GRCh37 (hg19) VCF-style: chr3-33099644-G-C.
Other names: c.580C>G, p.His194Asp (NM_001079811.3); c.814C>G, p.His272Asp (NM_001317040.2); c.670C>G, p.His224Asp (NM_001393580.1); c.341-4603C>G (NM_001135602.3); short protein forms H272D, H194D, H224D.
Identifiers: ClinVar variation 1981116 (VCV001981116.4), dbSNP rs781379911, ClinGen allele CA352004147.